The following is an entry in ClinVar:

NM_002734.5(PRKAR1A):c.647A>G (p.Lys216Arg)

Gene: PRKAR1A (protein kinase cAMP-dependent type I regulatory subunit alpha; plus strand). Cytogenetic location: 17q24.2.
Variant type: single nucleotide variant.
Coding change: c.647A>G on transcript NM_002734.5 (MANE Select); coding-DNA position 647, A replaced by G.
Protein change: p.Lys216Arg; replaces lysine 216 with arginine.
Molecular consequence: missense variant.
Genome position (GRCh38, 1-based): chr17:68,525,851, A>G. VCF-style: chr17-68525851-A-G. GRCh37 (hg19) VCF-style: chr17-66521992-A-G.
Other names: c.647A>G, p.Lys216Arg (NM_001276289.2, NM_001276290.1, NM_001278433.2 and 4 more transcripts); short protein forms K216R.
Identifiers: ClinVar variation 496171 (VCV000496171.10), dbSNP rs1555814093, ClinGen allele CA400753263.

ClinVar aggregate classification (germline): Uncertain significance. Review status: criteria provided, multiple submitters, no conflicts (2 of 4 stars). 3 submissions from 3 submitters: Uncertain significance (3). Last evaluated 2024-10-18.

Conditions:
Hereditary cancer-predisposing syndrome. Also called: Tumor predisposition; Neoplastic Syndromes, Hereditary; Hereditary neoplastic syndrome; Hereditary Cancer Syndrome. Identifiers: Orphanet 140162, MedGen C0027672, MeSH D009386, MONDO:0015356.
Carney complex, type 1 (CNC1). Also called: CARNEY COMPLEX, TYPE I; CARNEY MYXOMA-ENDOCRINE COMPLEX. Identifiers: Orphanet 1359, MedGen C2607929, MONDO:0008057, OMIM 160980.

Allele frequency attached by ClinVar (database versions not stated): gnomAD exomes below 0.00001.

Submissions (3):

Ambry Genetics
Classification: Uncertain significance for Hereditary cancer-predisposing syndrome. Last evaluated: 2024-10-18. Review status: criteria provided, single submitter. Criteria: Ambry Variant Classification Scheme 2023. Collection method: clinical testing. Allele origin: germline.
Comment: The p.K216R variant (also known as c.647A>G), located in coding exon 6 of the PRKAR1A gene, results from an A to G substitution at nucleotide position 647. The lysine at codon 216 is replaced by arginine, an amino acid with highly similar properties. This amino acid position is not well conserved in available vertebrate species. In addition, the in silico prediction for this alteration is inconclusive. Since supporting evidence is limited at this time, the clinical significance of this alteration remains unclear.

Labcorp Genetics (formerly Invitae), Labcorp
Classification: Uncertain significance for Carney complex, type 1. Last evaluated: 2024-04-29. Review status: criteria provided, single submitter. Criteria: Invitae Variant Classification Sherloc (09022015). Collection method: clinical testing. Allele origin: germline.
Comment: This sequence change replaces lysine, which is basic and polar, with arginine, which is basic and polar, at codon 216 of the PRKAR1A protein (p.Lys216Arg). This variant is not present in population databases (gnomAD no frequency). This variant has not been reported in the literature in individuals affected with PRKAR1A-related conditions. ClinVar contains an entry for this variant (Variation ID: 496171). Advanced modeling of protein sequence and biophysical properties (such as structural, functional, and spatial information, amino acid conservation, physicochemical variation, residue mobility, and thermodynamic stability) performed at Invitae indicates that this missense variant is not expected to disrupt PRKAR1A protein function with a negative predictive value of 80%. In summary, the available evidence is currently insufficient to determine the role of this variant in disease. Therefore, it has been classified as a Variant of Uncertain Significance.

Women's Health and Genetics/Laboratory Corporation of America, LabCorp
Classification: Uncertain significance. Last evaluated: 2017-04-06. Review status: criteria provided, single submitter. Criteria: LabCorp Variant Classification Summary - May 2015. Collection method: clinical testing. Allele origin: germline.
Comment: Variant summary: The PRKAR1A c.647A>G (p.Lys216Arg) variant involves the alteration of a conserved nucleotide. 4/5 in silico tools predict a benign outcome for this variant. This variant is absent in 121288 control chromosomes. The variant of interest has not, to our knowledge, been reported in affected individuals via publications and/or reputable databases/clinical diagnostic laboratories; nor evaluated for functional impact by in vivo/vitro studies. Because of the absence of clinical information and the lack of functional studies, the variant is classified as a variant of uncertain significance (VUS) until additional information becomes available.